The following is an entry in ClinVar:

ClinVar aggregate classification (germline): Benign/Likely benign. Review status: criteria provided, multiple submitters, no conflicts (2 of 4 stars). 6 submissions from 6 submitters: Benign (3); Likely benign (3). Last evaluated 2026-06-01.

Allele frequency attached by ClinVar (database versions not stated): gnomAD exomes 0.00728; 1000 Genomes Project 30x 0.00297; 1000 Genomes Project 0.00339; TOPMed 0.00561; gnomAD 0.00650 and 0.00652; ESP Exome Variant Server 0.00654; ExAC 0.00717.
gnomAD v4.1: 13,676 of 1,570,584 alleles (0.87%); highest among the groups gnomAD compares: Non-Finnish European, 0.98%; 81 homozygotes.

Submissions (6):

CeGaT Center for Human Genetics Tuebingen
Classification: Likely benign. Last evaluated: 2026-06-01. Review status: criteria provided, single submitter. Criteria: CeGaT Center For Human Genetics Tuebingen Variant Classification Criteria Version 2. Collection method: clinical testing. Allele origin: germline. Affected: yes. Observed: 12 variant alleles.
Comment: S1PR2: BS2

Labcorp Genetics (formerly Invitae), Labcorp
Classification: Benign. Last evaluated: 2026-02-01. Review status: criteria provided, single submitter. Criteria: Invitae Variant Classification Sherloc (09022015). Collection method: clinical testing. Allele origin: germline.

Athena Diagnostics
Classification: Benign. Last evaluated: 2020-02-04. Review status: criteria provided, single submitter. Criteria: Athena Diagnostics Criteria. Collection method: clinical testing. Allele origin: unknown.

GeneDx
Classification: Likely benign. Last evaluated: 2018-03-19. Review status: criteria provided, single submitter. Criteria: GeneDx Variant Classification (06012015). Collection method: clinical testing. Allele origin: germline. Affected: yes.
Comment: This variant is considered likely benign or benign based on one or more of the following criteria: it is a conservative change, it occurs at a poorly conserved position in the protein, it is predicted to be benign by multiple in silico algorithms, and/or has population frequency not consistent with disease.

Laboratory for Molecular Medicine, Mass General Brigham Personalized Medicine
Classification: Benign. Last evaluated: 2017-08-23. Review status: criteria provided, single submitter. Criteria: LMM Criteria. Collection method: clinical testing. Allele origin: germline. Observed: 7 variant alleles.
Comment: p.Val286Ala in exon 2 of S1PR2: This variant is not expected to have clinical si gnificance because it has been identified in 1.03% (663/64316) of European chrom osomes by the Exome Aggregation Consortium (ExAC ; dbSNP rs117064827).

Breakthrough Genomics
Classification: Likely benign. Review status: criteria provided, single submitter. Criteria: ACMG Guidelines, 2015. Collection method: not provided. Allele origin: germline. Inheritance: Autosomal recessive inheritance. Affected: yes.

NM_004230.4(S1PR2):c.857T>C (p.Val286Ala)

Gene: S1PR2 (sphingosine-1-phosphate receptor 2; minus strand). Cytogenetic location: 19p13.2.
Variant type: single nucleotide variant.
Coding change: c.857T>C on transcript NM_004230.4 (MANE Select); coding-DNA position 857, T replaced by C.
Protein change: p.Val286Ala; replaces valine 286 with alanine.
Molecular consequence: missense variant.
Genome position (GRCh38, 1-based): chr19:10,224,049, A>G on the plus strand (T>C on the coding strand, the complement: S1PR2 is on the minus strand). VCF-style: chr19-10224049-A-G. GRCh37 (hg19) VCF-style: chr19-10334725-A-G.
Other names: short protein forms V286A.
Identifiers: ClinVar variation 506086 (VCV000506086.40), dbSNP rs117064827, ClinGen allele CA9189004.